The following is an entry in ClinVar:

ClinVar aggregate classification (germline): Uncertain significance (1 of 4 stars; one submission).

Submission:

Labcorp Genetics (formerly Invitae), Labcorp
Classification: Uncertain significance. Last evaluated: 2025-02-04. Review status: criteria provided, single submitter. Criteria: Invitae Variant Classification Sherloc (09022015). Collection method: clinical testing. Allele origin: germline.
Comment: This sequence change replaces alanine, which is neutral and non-polar, with methionine, which is neutral and non-polar, at codon 1192 of the MYH3 protein (p.Ala1192Met). The frequency data for this variant in the population databases is considered unreliable, as metrics indicate poor data quality at this position in the gnomAD database. This variant has not been reported in the literature in individuals affected with MYH3-related conditions. ClinVar contains an entry for this variant (Variation ID: 2134859). An algorithm developed to predict the effect of missense changes on protein structure and function (PolyPhen-2) suggests that this variant is likely to be disruptive. In summary, the available evidence is currently insufficient to determine the role of this variant in disease. Therefore, it has been classified as a Variant of Uncertain Significance.

NM_002470.4(MYH3):c.3574_3575delinsAT (p.Ala1192Met)

Gene: MYH3 (myosin heavy chain 3; minus strand). Cytogenetic location: 17p13.1.
Variant type: Indel.
Coding change: c.3574_3575delinsAT on transcript NM_002470.4 (MANE Select); coding-DNA positions 3574 to 3575, GC replaced by AT.
Protein change: p.Ala1192Met; replaces alanine 1192 with methionine.
Molecular consequence: missense variant.
Genome position (GRCh38, 1-based): chr17:10,638,197-10,638,198, GC replaced by AT on the plus strand (GC replaced by AT on the coding strand, the reverse complement: MYH3 is on the minus strand). VCF-style: chr17-10638197-GC-AT. GRCh37 (hg19) VCF-style: chr17-10541514-GC-AT.
Other names: short protein forms A1192M.
Identifiers: ClinVar variation 2134859 (VCV002134859.4), dbSNP rs2508592816, ClinGen allele CA2580092593.